The following is an entry in ClinVar:

NM_014633.5(CTR9):c.2931T>G (p.Asn977Lys)

Gene: CTR9 (CTR9 homolog, Paf1/RNA polymerase II complex component; plus strand). Cytogenetic location: 11p15.4.
Variant type: single nucleotide variant.
Coding change: c.2931T>G on transcript NM_014633.5 (MANE Select); coding-DNA position 2931, T replaced by G.
Protein change: p.Asn977Lys; replaces asparagine 977 with lysine.
Molecular consequence: missense variant.
Genome position (GRCh38, 1-based): chr11:10,775,252, T>G. VCF-style: chr11-10775252-T-G. GRCh37 (hg19) VCF-style: chr11-10796799-T-G.
Other names: c.2859T>G, p.Asn953Lys (NM_001346279.2); short protein forms N953K, N977K.
Identifiers: ClinVar variation 3366113 (VCV003366113.1).

ClinVar aggregate classification (germline): Uncertain significance (1 of 4 stars; one submission).

Submission:

GeneDx
Classification: Uncertain significance. Last evaluated: 2023-11-02. Review status: criteria provided, single submitter. Criteria: GeneDx Variant Classification Process June 2021. Collection method: clinical testing. Allele origin: germline. Affected: yes.
Comment: Not observed at significant frequency in large population cohorts (gnomAD); In silico analysis supports that this missense variant does not alter protein structure/function; Has not been previously published as pathogenic or benign to our knowledge